The following is an entry in ClinVar:

ClinVar aggregate classification (germline): Uncertain significance. Review status: criteria provided, multiple submitters, no conflicts (2 of 4 stars). 2 submissions from 2 submitters: Uncertain significance (2). Last evaluated 2025-02-10.

Conditions:
Inborn genetic diseases. Identifiers: MedGen C0950123, MeSH D030342.
Kleefstra syndrome 1 (KLEFS1). Identifiers: Orphanet 261494, MedGen C0795833, MONDO:0027407, OMIM 610253.

Allele frequency attached by ClinVar (database versions not stated): gnomAD exomes below 0.00001; TOPMed 0.00002; gnomAD 0.00001; ExAC 0.00001.
gnomAD v4.1: 3 of 1,613,728 alleles (0.00019%); highest among the groups gnomAD compares: Admixed American, 0.0033%; no homozygotes.

Submissions (2):

Labcorp Genetics (formerly Invitae), Labcorp
Classification: Uncertain significance for Kleefstra syndrome 1. Last evaluated: 2025-02-10. Review status: criteria provided, single submitter. Criteria: Invitae Variant Classification Sherloc (09022015). Collection method: clinical testing. Allele origin: germline.
Comment: This sequence change replaces serine, which is neutral and polar, with cysteine, which is neutral and slightly polar, at codon 458 of the EHMT1 protein (p.Ser458Cys). This variant is present in population databases (rs752443684, gnomAD 0.003%). This variant has not been reported in the literature in individuals affected with EHMT1-related conditions. ClinVar contains an entry for this variant (Variation ID: 2884642). An algorithm developed to predict the effect of missense changes on protein structure and function (PolyPhen-2) suggests that this variant is likely to be tolerated. In summary, the available evidence is currently insufficient to determine the role of this variant in disease. Therefore, it has been classified as a Variant of Uncertain Significance.

Ambry Genetics
Classification: Uncertain significance for Inborn genetic diseases. Last evaluated: 2024-10-08. Review status: criteria provided, single submitter. Criteria: Ambry Variant Classification Scheme 2023. Collection method: clinical testing. Allele origin: germline.

NM_024757.5(EHMT1):c.1373C>G (p.Ser458Cys)

Gene: EHMT1 (euchromatic histone lysine methyltransferase 1; plus strand). Cytogenetic location: 9q34.3.
Variant type: single nucleotide variant.
Coding change: c.1373C>G on transcript NM_024757.5 (MANE Select); coding-DNA position 1373, C replaced by G.
Protein change: p.Ser458Cys; replaces serine 458 with cysteine.
Molecular consequence: missense variant.
Genome position (GRCh38, 1-based): chr9:137,757,883, C>G. VCF-style: chr9-137757883-C-G. GRCh37 (hg19) VCF-style: chr9-140652335-C-G.
Other names: c.1373C>G (NM_024757.4); c.1373C>G, p.Ser458Cys (NM_001145527.2, NM_001354611.2); c.1280C>G, p.Ser427Cys (NM_001354259.2, NM_001354612.2); c.1352C>G, p.Ser451Cys (NM_001354263.2); short protein forms S427C, S451C, S458C.
Identifiers: ClinVar variation 2884642 (VCV002884642.4), dbSNP rs752443684, ClinGen allele CA5374608.
Genomic context (GRCh38, chr9:137,757,883, plus strand): 5'-GGGTGGGTGCGGCCGCCTGGGTGCGTGGTGTCTGATGTGTGTGCCTTTCATACCTAGGTT[C>G]TGAGTCGTATAAGTCATCTGCAGGAAGCGCTGAGCAGACGGCACCAGGAGACAGCACAGG-3'
Protein context (NP_079033.4, residues 448-468): SRKKPSGALG[Ser458Cys]ESYKSSAGSA